The following is an entry in ClinVar:

ClinVar aggregate classification (germline): Likely benign (1 of 4 stars; one submission).

Allele frequency attached by ClinVar (database versions not stated): gnomAD 0.00566 and 0.00795; TOPMed 0.00662; gnomAD exomes 0.00772; 1000 Genomes Project 30x 0.03795.
gnomAD v4.1: 4,561 of 572,578 alleles (0.8%); highest among the groups gnomAD compares: East Asian, 11%; 306 homozygotes.

Submission:

GeneDx
Classification: Likely benign. Last evaluated: 2018-06-14. Review status: criteria provided, single submitter. Criteria: GeneDx Variant Classification (06012015). Collection method: clinical testing. Allele origin: germline. Affected: yes.
Comment: This variant is considered likely benign or benign based on one or more of the following criteria: it is a conservative change, it occurs at a poorly conserved position in the protein, it is predicted to be benign by multiple in silico algorithms, and/or has population frequency not consistent with disease.

NM_004456.5(EZH2):c.2196-130T>G

Gene: EZH2 (enhancer of zeste 2 polycomb repressive complex 2 subunit; minus strand). Cytogenetic location: 7q36.1.
Variant type: single nucleotide variant.
Coding change: c.2196-130T>G on transcript NM_004456.5 (MANE Select); 130 bases into the intron before coding-DNA position 2196, T replaced by G.
Molecular consequence: intron variant.
Genome position (GRCh38, 1-based): chr7:148,807,836, A>C on the plus strand (T>G on the coding strand, the complement: EZH2 is on the minus strand). VCF-style: chr7-148807836-A-C. GRCh37 (hg19) VCF-style: chr7-148504928-A-C.
Other names: c.2154-130T>G (NM_001203248.2); c.2064-130T>G (NM_152998.3); c.2181-130T>G (NM_001203247.2); c.2028-130T>G (NM_001203249.2).
Identifiers: ClinVar variation 670397 (VCV000670397.1), dbSNP rs200320558, ClinGen allele CA168905951.